The following is an entry in ClinVar:

NM_173500.4(TTBK2):c.448G>A (p.Gly150Ser)

Gene: TTBK2 (tau tubulin kinase 2; minus strand). Cytogenetic location: 15q15.2.
Variant type: single nucleotide variant.
Coding change: c.448G>A on transcript NM_173500.4 (MANE Select); coding-DNA position 448, G replaced by A.
Protein change: p.Gly150Ser; replaces glycine 150 with serine.
Molecular consequence: missense variant.
Genome position (GRCh38, 1-based): chr15:42,828,017, C>T on the plus strand (G>A on the coding strand, the complement: TTBK2 is on the minus strand). VCF-style: chr15-42828017-C-T. GRCh37 (hg19) VCF-style: chr15-43120215-C-T.
Other names: short protein forms G150S.
Identifiers: ClinVar variation 3463122 (VCV003463122.3).

ClinVar aggregate classification (germline): Uncertain significance. Review status: criteria provided, multiple submitters, no conflicts (2 of 4 stars). 2 submissions from 2 submitters: Uncertain significance (2). Last evaluated 2024-09-08.

Conditions:
Inborn genetic diseases. Identifiers: MedGen C0950123, MeSH D030342.

Submissions (2):

Ambry Genetics
Classification: Uncertain significance for Inborn genetic diseases. Last evaluated: 2024-09-08. Review status: criteria provided, single submitter. Criteria: Ambry Variant Classification Scheme 2023. Collection method: clinical testing. Allele origin: germline.

Labcorp Genetics (formerly Invitae), Labcorp
Classification: Uncertain significance. Last evaluated: 2024-08-05. Review status: criteria provided, single submitter. Criteria: Invitae Variant Classification Sherloc (09022015). Collection method: clinical testing. Allele origin: germline.
Comment: This sequence change replaces glycine, which is neutral and non-polar, with serine, which is neutral and polar, at codon 150 of the TTBK2 protein (p.Gly150Ser). This variant is not present in population databases (gnomAD no frequency). This variant has not been reported in the literature in individuals affected with TTBK2-related conditions. Advanced modeling of protein sequence and biophysical properties (such as structural, functional, and spatial information, amino acid conservation, physicochemical variation, residue mobility, and thermodynamic stability) performed at Invitae indicates that this missense variant is expected to disrupt TTBK2 protein function with a positive predictive value of 80%. In summary, the available evidence is currently insufficient to determine the role of this variant in disease. Therefore, it has been classified as a Variant of Uncertain Significance.